The following is an entry in ClinVar:

NM_000321.3(RB1):c.2489+5G>A

Gene: RB1 (RB transcriptional corepressor 1; plus strand). Cytogenetic location: 13q14.2.
Variant type: single nucleotide variant.
Coding change: c.2489+5G>A on transcript NM_000321.3 (MANE Select); 5 bases into the intron after coding-DNA position 2489, G replaced by A.
Molecular consequence: intron variant.
Genome position (GRCh38, 1-based): chr13:48,465,373, G>A. VCF-style: chr13-48465373-G-A. GRCh37 (hg19) VCF-style: chr13-49039509-G-A.
Identifiers: ClinVar variation 842592 (VCV000842592.9), dbSNP rs1949434078, ClinGen allele CA916081699.

ClinVar aggregate classification (germline): Uncertain significance. Review status: criteria provided, multiple submitters, no conflicts (2 of 4 stars). 2 submissions from 2 submitters: Uncertain significance (2). Last evaluated 2024-05-20.

Conditions:
Retinoblastoma (RB1). Also called: RETINOBLASTOMA, SOMATIC. Identifiers: Orphanet 790, MedGen C0035335, MeSH D012175, MONDO:0008380, OMIM 180200, HP:0009919. Disease mechanism: loss of function. Inheritance: Both sporadic and heritable forms are tested..

Submissions (2):

Genetic Diagnostic Laboratory, University of Pennsylvania School of Medicine
Classification: Uncertain significance for Retinoblastoma. Last evaluated: 2024-05-20. Review status: criteria provided, single submitter. Criteria: ACMG Guidelines, 2015. Collection method: clinical testing. Allele origin: germline. Affected: yes. Observed: 1 variant allele.
Comment: Case and Pedigree Information: BILATERAL CASES:0, UNILATERAL CASES:1, TOTAL CASES:1, PEDIGREES:1. ACMG Codes Applied:PM2, PP3

Labcorp Genetics (formerly Invitae), Labcorp
Classification: Uncertain significance for Retinoblastoma. Last evaluated: 2023-08-24. Review status: criteria provided, single submitter. Criteria: Invitae Variant Classification Sherloc (09022015). Collection method: clinical testing. Allele origin: germline.
Comment: This sequence change falls in intron 23 of the RB1 gene. It does not directly change the encoded amino acid sequence of the RB1 protein. It affects a nucleotide within the consensus splice site. This variant is not present in population databases (gnomAD no frequency). This variant has been observed in individual(s) with retinoblastoma (PMID: 21520333). ClinVar contains an entry for this variant (Variation ID: 842592). Variants that disrupt the consensus splice site are a relatively common cause of aberrant splicing (PMID: 17576681, 9536098). Algorithms developed to predict the effect of sequence changes on RNA splicing suggest that this variant may disrupt the consensus splice site. In summary, the available evidence is currently insufficient to determine the role of this variant in disease. Therefore, it has been classified as a Variant of Uncertain Significance.

Literature cited by the submitters: PubMed 21520333 (cited by Labcorp Genetics (formerly Invitae), Labcorp); PubMed 17576681 (cited by Labcorp Genetics (formerly Invitae), Labcorp); PubMed 9536098 (cited by Labcorp Genetics (formerly Invitae), Labcorp).